The following is an entry in ClinVar:

NM_001127222.2(CACNA1A):c.2845_2850del (p.Thr949_Gly950del)

Gene: CACNA1A (calcium voltage-gated channel subunit alpha1 A; minus strand). Cytogenetic location: 19p13.13.
Variant type: Deletion.
Coding change: c.2845_2850del on transcript NM_001127222.2 (MANE Select); coding-DNA positions 2845 to 2850, 6 bases deleted (ACGGGC; older notation c.2845_2850delACGGGC).
Protein change: p.Thr949_Gly950del.
Molecular consequence: inframe deletion.
Genome position (GRCh38, 1-based): chr19:13,298,783-13,298,788, GCCCGT deleted on the plus strand (ACGGGC on the coding strand, the reverse complement: CACNA1A is on the minus strand); deleting any 6 consecutive bases within chr19:13,298,783-13,298,790 gives the same sequence; the c. name uses the placement nearest the transcript's 3' end. VCF-style (leftmost placement, unchanged base first): chr19-13298782-CGCCCGT-C. GRCh37 (hg19) VCF-style: chr19-13409596-CGCCCGT-C.
Other names: c.2857_2862del, p.Thr953_Gly954del (NM_000068.4, NM_023035.3); c.2848_2853del, p.Thr950_Gly951del (NM_001127221.2, NM_001174080.2).
Identifiers: ClinVar variation 3749301 (VCV003749301.2).

ClinVar aggregate classification (germline): Uncertain significance (1 of 4 stars; one submission).

Conditions:
Episodic ataxia type 2 (EA2). Also called: ACETAZOLAMIDE-RESPONSIVE HEREDITARY PAROXYSMAL CEREBELLAR ATAXIA; ATAXIA, EPISODIC, WITH NYSTAGMUS; ATAXIA, FAMILIAL PAROXYSMAL; CEREBELLAR ATAXIA, PAROXYSMAL, ACETAZOLAMIDE-RESPONSIVE; CEREBELLOPATHY, HEREDITARY PAROXYSMAL; EPISODIC ATAXIA, NYSTAGMUS-ASSOCIATED. Identifiers: Orphanet 97, MedGen C1720416, MONDO:0007163, OMIM 108500.
Developmental and epileptic encephalopathy, 42 (DEE42A). Also called: Epileptic encephalopathy, early infantile, 42; DEVELOPMENTAL AND EPILEPTIC ENCEPHALOPATHY 42A; EPILEPTIC ENCEPHALOPATHY, EARLY INFANTILE, 42A. Identifiers: MedGen C4310716, MONDO:0014917, OMIM 617106.

Submission:

Labcorp Genetics (formerly Invitae), Labcorp
Classification: Uncertain significance for Developmental and epileptic encephalopathy, 42; Episodic ataxia type 2. Last evaluated: 2025-04-01. Review status: criteria provided, single submitter. Criteria: Invitae Variant Classification Sherloc (09022015). Collection method: clinical testing. Allele origin: germline.
Comment: This variant, c.2848_2853del, results in the deletion of 2 amino acid(s) of the CACNA1A protein (p.Thr950_Gly951del), but otherwise preserves the integrity of the reading frame. This variant is present in population databases (no rsID available, gnomAD 0.01%). This variant has not been reported in the literature in individuals affected with CACNA1A-related conditions. Experimental studies and prediction algorithms are not available or were not evaluated, and the functional significance of this variant is currently unknown. In summary, the available evidence is currently insufficient to determine the role of this variant in disease. Therefore, it has been classified as a Variant of Uncertain Significance.